The following is an entry in ClinVar:

NM_002693.3(POLG):c.1170+18dup

Gene: POLG (DNA polymerase gamma, catalytic subunit; minus strand). Cytogenetic location: 15q26.1.
Variant type: Duplication.
Coding change: c.1170+18dup on transcript NM_002693.3 (MANE Select); 18 bases into the intron after coding-DNA position 1170, one base duplicated (G; older notation c.1170+18dupG).
Molecular consequence: intron variant.
Genome position (GRCh38, 1-based): chr15:89,328,667, C duplicated on the plus strand (G on the coding strand, the reverse complement: POLG is on the minus strand); the first of 5 consecutive C bases (chr15:89,328,667-89,328,671); duplicating any one gives the same sequence. VCF-style (leftmost placement, unchanged base first): chr15-89328666-G-GC. GRCh37 (hg19) VCF-style: chr15-89871897-G-GC.
Other names: c.1170+18dupG (NM_002693.2); c.1170+18dup (NM_001126131.2).
Identifiers: ClinVar variation 513044 (VCV000513044.9), dbSNP rs1274781490, ClinGen allele CA619857484.

ClinVar aggregate classification (germline): Benign/Likely benign. Review status: criteria provided, multiple submitters, no conflicts (2 of 4 stars). 2 submissions from 2 submitters: Benign (1); Likely benign (1). Last evaluated 2024-09-09.

Conditions:
Progressive sclerosing poliodystrophy (MTDPS4A). Also called: Alpers-Huttenlocher Syndrome (AHS); ALPERS PROGRESSIVE INFANTILE POLIODYSTROPHY; Mitochondrial DNA Depletion Syndrome 4A; Mitochondrial DNA depletion syndrome 4A (Alpers type); NEURONAL DEGENERATION OF CHILDHOOD WITH LIVER DISEASE, PROGRESSIVE; Alpers Syndrome. Identifiers: Orphanet 726, MedGen C0205710, MONDO:0008758, OMIM 203700.

Submissions (2):

Labcorp Genetics (formerly Invitae), Labcorp
Classification: Benign for Progressive sclerosing poliodystrophy. Last evaluated: 2024-09-09. Review status: criteria provided, single submitter. Criteria: Invitae Variant Classification Sherloc (09022015). Collection method: clinical testing. Allele origin: germline.

GeneDx
Classification: Likely benign. Last evaluated: 2017-10-31. Review status: criteria provided, single submitter. Criteria: GeneDx Variant Classification (06012015). Collection method: clinical testing. Allele origin: germline. Affected: yes.
Comment: This variant is considered likely benign or benign based on one or more of the following criteria: it is a conservative change, it occurs at a poorly conserved position in the protein, it is predicted to be benign by multiple in silico algorithms, and/or has population frequency not consistent with disease.